The following is an entry in ClinVar:

NM_004168.4(SDHA):c.1617C>G (p.Ile539Met)

Gene: SDHA (succinate dehydrogenase complex flavoprotein subunit A; plus strand). Cytogenetic location: 5p15.33.
Variant type: single nucleotide variant.
Coding change: c.1617C>G on transcript NM_004168.4 (MANE Select); coding-DNA position 1617, C replaced by G.
Protein change: p.Ile539Met; replaces isoleucine 539 with methionine.
Molecular consequence: missense variant. On other transcripts: intron variant (1).
Genome position (GRCh38, 1-based): chr5:251,057, C>G. VCF-style: chr5-251057-C-G. GRCh37 (hg19) VCF-style: chr5-251172-C-G.
Other names: c.1473C>G, p.Ile491Met (NM_001294332.2); c.1552-3336C>G (NM_001330758.2); short protein forms I491M, I539M.
Identifiers: ClinVar variation 3753075 (VCV003753075.2).

ClinVar aggregate classification (germline): Uncertain significance (1 of 4 stars; one submission).

Conditions:
Mitochondrial complex II deficiency, nuclear type 1. Also called: SUCCINATE CoQ REDUCTASE DEFICIENCY. Identifiers: Orphanet 3208, MedGen C5700310, MONDO:0100294, OMIM 252011.
Pheochromocytoma/paraganglioma syndrome 5. Also called: Paragangliomas 5; SDHA-Related Hereditary Paraganglioma-Pheochromocytoma Syndrome. Identifiers: Orphanet 29072, MedGen C3279992, MONDO:0013602, OMIM 614165.

Submission:

Labcorp Genetics (formerly Invitae), Labcorp
Classification: Uncertain significance for Pheochromocytoma/paraganglioma syndrome 5; Mitochondrial complex II deficiency, nuclear type 1. Last evaluated: 2024-06-16. Review status: criteria provided, single submitter. Criteria: Invitae Variant Classification Sherloc (09022015). Collection method: clinical testing. Allele origin: germline.
Comment: This sequence change replaces isoleucine, which is neutral and non-polar, with methionine, which is neutral and non-polar, at codon 539 of the SDHA protein (p.Ile539Met). This variant is not present in population databases (gnomAD no frequency). This variant has not been reported in the literature in individuals affected with SDHA-related conditions. Advanced modeling of protein sequence and biophysical properties (such as structural, functional, and spatial information, amino acid conservation, physicochemical variation, residue mobility, and thermodynamic stability) performed at Invitae indicates that this missense variant is not expected to disrupt SDHA protein function with a negative predictive value of 95%. In summary, the available evidence is currently insufficient to determine the role of this variant in disease. Therefore, it has been classified as a Variant of Uncertain Significance.